The following is an entry in ClinVar:

NM_006876.3(B4GAT1):c.686_690del (p.Asp229fs)

Gene: B4GAT1 (beta-1,4-glucuronyltransferase 1; minus strand). Cytogenetic location: 11q13.2.
Variant type: Deletion.
Coding change: c.686_690del on transcript NM_006876.3 (MANE Select); coding-DNA positions 686 to 690, 5 bases deleted (ACATG; older notation c.686_690delACATG).
Protein change: p.Asp229fs; shifts the reading frame from aspartic acid 229.
Molecular consequence: frameshift variant.
Genome position (GRCh38, 1-based): chr11:66,346,856-66,346,860, CATGT deleted on the plus strand (ACATG on the coding strand, the reverse complement: B4GAT1 is on the minus strand); deleting any 5 consecutive bases within chr11:66,346,856-66,346,861 gives the same sequence; the c. name uses the placement nearest the transcript's 3' end. VCF-style (leftmost placement, unchanged base first): chr11-66346855-CCATGT-C. GRCh37 (hg19) VCF-style: chr11-66114326-CCATGT-C.
Other names: c.686_690delACATG (NM_006876.3); short protein forms D229fs.
Identifiers: ClinVar variation 4849376 (VCV004849376.1).
Genomic context (GRCh38, chr11:66,346,855, plus strand): 5'-CCCACTGGTTGCTCTGATCCAGCATTTCCCGCAGGCCTCTCCACAGCCCCTCGCTGGGCA[CCATGT>C]CCACATCGATCACCAGGGCATAGTTGGCCCCCTCACGAGCCAGATTCCTCAGCAGGTTAT-3'

ClinVar aggregate classification (germline): Likely pathogenic (1 of 4 stars; one submission).

Conditions:
Muscular dystrophy-dystroglycanopathy (congenital with brain and eye anomalies), type A13. Also called: WALKER-WARBURG SYNDROME OR MUSCLE-EYE-BRAIN DISEASE, B3GNT1-RELATED; Muscular dystrophy-dystroglycanopathy (congenital with brain and eye anomalies), type a, 13. Identifiers: Orphanet 899, MedGen C3809042, MONDO:0014120, OMIM 615287.

Submission:

First Genomix Gene Laboratory, Genetic Diagnostics Department
Classification: Likely pathogenic for Muscular dystrophy-dystroglycanopathy (congenital with brain and eye anomalies), type A13. Last evaluated: 2025-07-15. Review status: criteria provided, single submitter. Criteria: ACMG Guidelines, 2015. Collection method: clinical testing. Allele origin: germline. Inheritance: Autosomal recessive inheritance. Affected: no. Observed: 1 variant allele.